The following is an entry in ClinVar:

ClinVar aggregate classification (germline): Uncertain significance. Review status: criteria provided, multiple submitters, no conflicts (2 of 4 stars). 2 submissions from 2 submitters: Uncertain significance (2). Last evaluated 2025-11-25.

Conditions:
Hereditary cancer-predisposing syndrome. Also called: Tumor predisposition; Hereditary Cancer Syndrome; Neoplastic Syndromes, Hereditary; Hereditary neoplastic syndrome. Identifiers: Orphanet 140162, MedGen C0027672, MeSH D009386, MONDO:0015356.

Submissions (2):

Labcorp Genetics (formerly Invitae), Labcorp
Classification: Uncertain significance. Last evaluated: 2025-11-25. Review status: criteria provided, single submitter. Criteria: Invitae Variant Classification Sherloc (09022015). Collection method: clinical testing. Allele origin: germline.
Comment: This sequence change creates a premature translational stop signal (p.Leu9*) in the HOXB13 gene. It is expected to result in an absent or disrupted protein product. However, the current clinical and genetic evidence is not sufficient to establish whether loss-of-function variants in HOXB13 cause disease. This variant is not present in population databases (gnomAD no frequency). This variant has not been reported in the literature in individuals affected with HOXB13-related conditions. ClinVar contains an entry for this variant (Variation ID: 821689). In summary, the available evidence is currently insufficient to determine the role of this variant in disease. Therefore, it has been classified as a Variant of Uncertain Significance.

Ambry Genetics
Classification: Uncertain significance for Hereditary cancer-predisposing syndrome. Last evaluated: 2024-12-09. Review status: criteria provided, single submitter. Criteria: Ambry Variant Classification Scheme 2023. Collection method: clinical testing. Allele origin: germline.
Comment: The p.L9* variant (also known as c.26T>A), located in coding exon 1 of the HOXB13 gene, results from a T to A substitution at nucleotide position 26. This changes the amino acid from a leucine to a stop codon within coding exon 1.This alteration is expected to result in protein truncation or nonsense-mediated mRNA decay. However, loss of function of HOXB13 has not been clearly established as a mechanism of disease. Since supporting evidence is limited at this time, the clinical significance of this alteration remains unclear.

NM_006361.6(HOXB13):c.26T>A (p.Leu9Ter)

Gene: HOXB13 (homeobox B13; minus strand). Cytogenetic location: 17q21.32.
Variant type: single nucleotide variant.
Coding change: c.26T>A on transcript NM_006361.6 (MANE Select); coding-DNA position 26, T replaced by A.
Protein change: p.Leu9Ter; replaces leucine 9 with a stop codon.
Molecular consequence: nonsense.
Genome position (GRCh38, 1-based): chr17:48,728,568, A>T on the plus strand (T>A on the coding strand, the complement: HOXB13 is on the minus strand). VCF-style: chr17-48728568-A-T. GRCh37 (hg19) VCF-style: chr17-46805930-A-T.
Other names: short protein forms L9*.
Identifiers: ClinVar variation 821689 (VCV000821689.12), dbSNP rs1597935342, ClinGen allele CA400109903.